The following is an entry in ClinVar:

ClinVar aggregate classification (germline): Uncertain significance (1 of 4 stars; one submission).

Submission:

GeneDx
Classification: Uncertain significance. Last evaluated: 2024-12-11. Review status: criteria provided, single submitter. Criteria: GeneDx Variant Classification Process June 2021. Collection method: clinical testing. Allele origin: germline. Affected: yes.
Comment: Not observed at significant frequency in large population cohorts (gnomAD); In silico analysis supports that this missense variant has a deleterious effect on protein structure/function; Has not been previously published as pathogenic or benign to our knowledge

NM_001271696.3(ABCB7):c.1645G>A (p.Gly549Arg)

Gene: ABCB7 (ATP binding cassette subfamily B member 7; minus strand). Cytogenetic location: Xq13.3.
Variant type: single nucleotide variant.
Coding change: c.1645G>A on transcript NM_001271696.3 (MANE Select); coding-DNA position 1645, G replaced by A.
Protein change: p.Gly549Arg; replaces glycine 549 with arginine.
Molecular consequence: missense variant.
Genome position (GRCh38, 1-based): chrX:75,069,021, C>T on the plus strand (G>A on the coding strand, the complement: ABCB7 is on the minus strand). VCF-style: chrX-75069021-C-T. GRCh37 (hg19) VCF-style: chrX-74288856-C-T.
Other names: c.1525G>A, p.Gly509Arg (NM_001271697.3); c.1567G>A, p.Gly523Arg (NM_001271698.3); c.1528G>A, p.Gly510Arg (NM_001271699.3); c.1648G>A, p.Gly550Arg (NM_004299.6); short protein forms G509R, G510R, G523R, G549R, G550R.
Identifiers: ClinVar variation 3903378 (VCV003903378.1).